The following is an entry in ClinVar:

ClinVar aggregate classification (germline): Likely pathogenic. Review status: criteria provided, single submitter (1 of 4 stars). 2 submissions from 2 submitters: Likely pathogenic (1). 1 of the submissions does not count toward it. Last evaluated 2024-03-17.

Conditions:
FANCI-related disorder. Also called: FANCI-related condition.
Fanconi anemia complementation group I (FANCI). Also called: FANCI-Related Fanconi Anemia. Identifiers: Orphanet 84, MedGen C1836861, MONDO:0012186, OMIM 609053.

Allele frequency attached by ClinVar (database versions not stated): ExAC 0.00002.
gnomAD v4.1: 15 of 1,613,964 alleles (0.00093%); highest among the groups gnomAD compares: Non-Finnish European, 0.00093%; no homozygotes.

Submissions (3):

Baylor Genetics
Classification: Likely pathogenic for Fanconi anemia complementation group I. Last evaluated: 2024-03-17. Review status: criteria provided, single submitter. Criteria: ACMG Guidelines, 2015. Collection method: clinical testing. Allele origin: unknown.

PreventionGenetics, part of Exact Sciences
Classification: Likely pathogenic for FANCI-related condition. Last evaluated: 2023-12-08. Review status: no assertion criteria provided. Collection method: clinical testing. Allele origin: germline. Not counted in ClinVar's aggregate classification.
Comment: The FANCI c.3645C>G variant is predicted to result in premature protein termination (p.Tyr1215*). This variant has been reported in an individual from a large study investigating germline variants in adult cancers, with uncertain significance in this context (Table S2B, Huang et al. 2018. PubMed ID: 29625052). This variant is reported in 0.012% of alleles in individuals of European (Finnish) descent in gnomAD. Nonsense variants are expected to be pathogenic. This variant is interpreted as likely pathogenic.

Dr. Peter K. Rogan Lab, Western University
No classification provided (evidence only). Condition: Colorectal cancer. Review status: no classification provided. Collection method: in vitro. Allele origin: not applicable. Functional consequence: skipped exon. Not counted in ClinVar's aggregate classification.

NM_001113378.2(FANCI):c.3645C>G (p.Tyr1215Ter)

Gene: FANCI (FA complementation group I; plus strand). Cytogenetic location: 15q26.1.
Variant type: single nucleotide variant.
Coding change: c.3645C>G on transcript NM_001113378.2 (MANE Select); coding-DNA position 3645, C replaced by G.
Protein change: p.Tyr1215Ter; replaces tyrosine 1215 with a stop codon.
Molecular consequence: nonsense.
Genome position (GRCh38, 1-based): chr15:89,307,666, C>G. VCF-style: chr15-89307666-C-G. GRCh37 (hg19) VCF-style: chr15-89850897-C-G.
Other names: NC_000015.9:g.89850897C>G; c.3366C>G, p.Tyr1122Ter (NM_001376910.1); c.3645C>G, p.Tyr1215Ter (NM_001376911.1); c.3465C>G, p.Tyr1155Ter (NM_018193.3); short protein forms Y1122*, Y1155*, Y1215*.
Identifiers: ClinVar variation 3031946 (VCV003031946.4), dbSNP rs760364969, ClinGen allele CA7723798.
Genomic context (GRCh38, chr15:89,307,666, plus strand): 5'-TGTGCAGGTGAAGCTGTCTGGTTCTCATCTGACCCCCCTGTGTTATTCTTTCATTTCTTA[C>G]GTACAGGTAAGAGATTCAGAGGCAGTACCCAATAGGTCTTCAAGAAAGGATTTCTTACAT-3'